The following is an entry in ClinVar:

ClinVar aggregate classification (germline): Uncertain significance (1 of 4 stars; one submission).

Conditions:
Hereditary cancer-predisposing syndrome. Also called: Neoplastic Syndromes, Hereditary; Tumor predisposition; Hereditary neoplastic syndrome; Hereditary Cancer Syndrome. Identifiers: Orphanet 140162, MedGen C0027672, MeSH D009386, MONDO:0015356.

Submission:

Ambry Genetics
Classification: Uncertain significance for Hereditary cancer-predisposing syndrome. Last evaluated: 2026-09-10. Review status: criteria provided, single submitter. Criteria: Ambry Variant Classification Scheme 2023. Collection method: clinical testing. Allele origin: germline.
Comment: The p.R1048S variant (also known as c.3144A>T), located in coding exon 15 of the APC gene, results from an A to T substitution at nucleotide position 3144. The arginine at codon 1048 is replaced by serine, an amino acid with dissimilar properties. This amino acid position is conserved. In addition, in silico predictors for this gene do not accurately predict pathogenicity. Based on the available evidence, the clinical significance of this variant remains unclear.

NM_000038.6(APC):c.3144A>T (p.Arg1048Ser)

Gene: APC (APC regulator of Wnt signaling pathway; plus strand). Cytogenetic location: 5q22.2.
Variant type: single nucleotide variant.
Coding change: c.3144A>T on transcript NM_000038.6 (MANE Select); coding-DNA position 3144, A replaced by T.
Protein change: p.Arg1048Ser; replaces arginine 1048 with serine.
Molecular consequence: missense variant. On other transcripts: non-coding transcript variant (2).
Genome position (GRCh38, 1-based): chr5:112,838,738, A>T. VCF-style: chr5-112838738-A-T. GRCh37 (hg19) VCF-style: chr5-112174435-A-T.
Other names: c.3144A>T, p.Arg1048Ser (NM_001127510.3, NM_001354895.2, NM_001407450.1); c.3090A>T, p.Arg1030Ser (NM_001127511.3); c.3198A>T, p.Arg1066Ser (NM_001354896.2, NM_001407447.1, NM_001407448.1 and 1 more transcripts); c.3174A>T, p.Arg1058Ser (NM_001354897.2); c.3069A>T, p.Arg1023Ser (NM_001354898.2); c.3060A>T, p.Arg1020Ser (NM_001354899.2); c.3021A>T, p.Arg1007Ser (NM_001354900.2); c.2967A>T, p.Arg989Ser (NM_001354901.2, NM_001407453.1); and 11 more; short protein forms R1023S, R1041S, R1048S, R919S, R922S, R1030S, R1058S, R1076S.
Identifiers: ClinVar variation 5026151 (VCV005026151.1).